The following is an entry in ClinVar:

ClinVar aggregate classification (germline): Uncertain significance (1 of 4 stars; one submission).

Submission:

Ambry Genetics
Classification: Uncertain significance. Last evaluated: 2025-07-17. Review status: criteria provided, single submitter. Criteria: Ambry Variant Classification Scheme 2023. Collection method: clinical testing. Allele origin: germline.
Comment: The p.N369S variant (also known as c.1106A>G), located in coding exon 1 of the MLH3 gene, results from an A to G substitution at nucleotide position 1106. The asparagine at codon 369 is replaced by serine, an amino acid with highly similar properties. This amino acid position is conserved. In addition, this alteration is predicted to be tolerated by in silico analysis. Based on the available evidence, the clinical significance of this variant remains unclear.

NM_001040108.2(MLH3):c.1106A>G (p.Asn369Ser)

Gene: MLH3 (mutL homolog 3; minus strand). Cytogenetic location: 14q24.3.
Variant type: single nucleotide variant.
Coding change: c.1106A>G on transcript NM_001040108.2 (MANE Select); coding-DNA position 1106, A replaced by G.
Protein change: p.Asn369Ser; replaces asparagine 369 with serine.
Molecular consequence: missense variant.
Genome position (GRCh38, 1-based): chr14:75,048,550, T>C on the plus strand (A>G on the coding strand, the complement: MLH3 is on the minus strand). VCF-style: chr14-75048550-T-C. GRCh37 (hg19) VCF-style: chr14-75515253-T-C.
Other names: c.1106A>G, p.Asn369Ser (NM_014381.3); short protein forms N369S.
Identifiers: ClinVar variation 4108643 (VCV004108643.1).